The following is an entry in ClinVar:

ClinVar aggregate classification (germline): Likely pathogenic (1 of 4 stars; one submission).

Conditions:
Cardiovascular phenotype. Identifiers: MedGen CN230736.

Submission:

Ambry Genetics
Classification: Likely pathogenic for Cardiovascular phenotype. Last evaluated: 2022-07-03. Review status: criteria provided, single submitter. Criteria: Ambry Variant Classification Scheme 2023. Collection method: clinical testing. Allele origin: germline.
Comment: The p.K10471* variant (also known as c.31411A>T), located in coding exon 125 of the TTN gene, results from an A to T substitution at nucleotide position 31411. This changes the amino acid from a lysine to a stop codon within coding exon 125. This exon is located in the A-band region of the N2-B isoform of the titin protein and is constitutively expressed in TTN transcripts (percent spliced in or PSI 100%). This alteration is expected to result in loss of function by premature protein truncation or nonsense-mediated mRNA decay. While truncating variants in TTN are present in 1-3% of the general population, truncating variants in the A-band are the most common cause of dilated cardiomyopathy (DCM) (Herman DS et al. N. Engl. J. Med., 2012 Feb;366:619-28; Roberts AM et al. Sci Transl Med, 2015 Jan;7:270ra6). TTN truncating variants encoded in constitutive exons (PSI >90%) have been found to be significantly associated with DCM regardless of their position in titin (Schafer S et al. Nat. Genet., 2017 01;49:46-53). As such, this alteration is classified as likely pathogenic.

NM_001267550.2(TTN):c.58606A>T (p.Lys19536Ter)

Genes: TTN-AS1 (TTN antisense RNA 1; plus strand), TTN (titin; minus strand). Cytogenetic location: 2q31.2.
Variant type: single nucleotide variant.
Coding change: c.58606A>T on transcript NM_001267550.2 (MANE Select); coding-DNA position 58606, A replaced by T.
Protein change: p.Lys19536Ter; replaces lysine 19536 with a stop codon.
Molecular consequence: nonsense.
Genome position (GRCh38, 1-based): chr2:178,593,694, T>A on the plus strand (A>T on the coding strand, the complement: TTN is on the minus strand). VCF-style: chr2-178593694-T-A. GRCh37 (hg19) VCF-style: chr2-179458421-T-A.
Other names: c.53683A>T, p.Lys17895Ter (NM_001256850.1); c.31411A>T, p.Lys10471Ter (NM_003319.4); c.50902A>T, p.Lys16968Ter (NM_133378.4); c.31786A>T, p.Lys10596Ter (NM_133432.3); c.31987A>T, p.Lys10663Ter (NM_133437.4); short protein forms K10596*, K10663*, K19536*, K10471*, K16968*, K17895*.
Identifiers: ClinVar variation 1728089 (VCV001728089.2), dbSNP rs2469594241, ClinGen allele CA349503966.